The following is an entry in ClinVar:

ClinVar aggregate classification (germline): Conflicting classifications of pathogenicity. Review status: criteria provided, conflicting classifications (1 of 4 stars). 7 submissions from 7 submitters: Uncertain significance (4); Likely benign (1). 2 of the submissions do not count toward it. Last evaluated 2026-01-28.

Conditions:
Primary hyperoxaluria type 3. Also called: PH III. Identifiers: Orphanet 416, Orphanet 93600, MedGen C3150878, MONDO:0013327, OMIM 613616. Disease mechanism: loss of function.

Allele frequency attached by ClinVar (database versions not stated): gnomAD 0.00019 and 0.00024; gnomAD exomes 0.00023 and 0.00056; TOPMed 0.00038; ExAC 0.00073; 1000 Genomes Project 0.00120; 1000 Genomes Project 30x 0.00125.
gnomAD v4.1: 374 of 1,614,216 alleles (0.023%); highest among the groups gnomAD compares: East Asian, 0.45%; 1 homozygote.

Submissions (7):

Labcorp Genetics (formerly Invitae), Labcorp
Classification: Likely benign. Last evaluated: 2026-01-28. Review status: criteria provided, single submitter. Criteria: Invitae Variant Classification Sherloc (09022015). Collection method: clinical testing. Allele origin: germline.

Blueprint Genetics
Classification: Uncertain significance. Last evaluated: 2024-10-22. Review status: criteria provided, single submitter. Criteria: ACMG Guidelines, 2015. Collection method: clinical testing. Allele origin: germline.

Fulgent Genetics
Classification: Uncertain significance for Primary hyperoxaluria type 3. Last evaluated: 2024-06-01. Review status: criteria provided, single submitter. Criteria: ACMG Guidelines, 2015. Collection method: clinical testing. Allele origin: germline.

Women's Health and Genetics/Laboratory Corporation of America, LabCorp
Classification: Uncertain significance. Last evaluated: 2022-06-29. Review status: criteria provided, single submitter. Criteria: LabCorp Variant Classification Summary - May 2015. Collection method: clinical testing. Allele origin: germline.
Comment: Variant summary: HOGA1 c.554C>T (p.Thr185Met) results in a non-conservative amino acid change in the encoded protein sequence. Four of five in-silico tools predict a damaging effect of the variant on protein function. The variant allele was found at a frequency of 0.00056 in 251482 control chromosomes (gnomAD), predominantly at a frequency of 0.0052 within the East Asian subpopulation in the gnomAD database. The observed variant frequency within East Asian control individuals in the gnomAD database is approximately 4-fold the estimated maximal expected allele frequency for a pathogenic variant in HOGA1 causing Primary Hyperoxaluria, Type III phenotype (0.0015), strongly suggesting that the variant is a benign polymorphism found primarily in populations of East Asian origin. c.554C>T has been reported in the literature in at least two compound heterozygous individuals affected with Primary Hyperoxaluria, Type III (e.g. He_2019). To our knowledge, no experimental evidence demonstrating an impact on protein function has been reported. Three clinical diagnostic laboratories have submitted clinical-significance assessments for this variant to ClinVar after 2014. Two laboratories classified the variant as uncertain significance and one classified it as likely benign. Based on the evidence outlined above, the variant was classified as VUS-possibly benign.

Illumina Laboratory Services, Illumina
Classification: Uncertain significance for Primary hyperoxaluria type 3. Last evaluated: 2018-01-12. Review status: criteria provided, single submitter. Criteria: ICSL Variant Classification Criteria 13 December 2019. Collection method: clinical testing. Allele origin: germline.

Chinese Inherited Urolithiasis Consortium, The Affiliated Yantai Yuhuangding Hospital of Qingdao University
Classification: Likely pathogenic for Primary hyperoxaluria type 3. Last evaluated: 2024-08-26. Review status: no assertion criteria provided. Collection method: clinical testing. Allele origin: paternal, maternal. Affected: yes. Observed: 4 variant alleles. Not counted in ClinVar's aggregate classification.

Natera, Inc.
Classification: Uncertain significance for Primary hyperoxaluria type III. Last evaluated: 2020-04-11. Review status: no assertion criteria provided. Collection method: clinical testing. Allele origin: germline. Not counted in ClinVar's aggregate classification.

Literature cited by the submitters: PubMed 31123811 (cited by Women's Health and Genetics/Laboratory Corporation of America, LabCorp); PubMed 30488096 (cited by Women's Health and Genetics/Laboratory Corporation of America, LabCorp).

NM_138413.4(HOGA1):c.554C>T (p.Thr185Met)

Gene: HOGA1 (4-hydroxy-2-oxoglutarate aldolase 1; plus strand). Cytogenetic location: 10q24.2.
Variant type: single nucleotide variant.
Coding change: c.554C>T on transcript NM_138413.4 (MANE Select); coding-DNA position 554, C replaced by T.
Protein change: p.Thr185Met; replaces threonine 185 with methionine.
Molecular consequence: missense variant. On other transcripts: intron variant (1).
Genome position (GRCh38, 1-based): chr10:97,599,765, C>T. VCF-style: chr10-97599765-C-T. GRCh37 (hg19) VCF-style: chr10-99359522-C-T.
Other names: c.212-2092C>T (NM_001134670.2); short protein forms T185M.
Identifiers: ClinVar variation 721341 (VCV000721341.19), dbSNP rs115282699, ClinGen allele CA5634153.